The following is an entry in ClinVar:

ClinVar aggregate classification (germline): Uncertain significance. Review status: criteria provided, multiple submitters, no conflicts (2 of 4 stars). 2 submissions from 2 submitters: Uncertain significance (2). Last evaluated 2025-11-23.

Conditions:
Inborn genetic diseases. Identifiers: MedGen C0950123, MeSH D030342.

Allele frequency attached by ClinVar (database versions not stated): 1000 Genomes Project 30x 0.00016; 1000 Genomes Project 0.00020; ExAC 0.00031; ESP Exome Variant Server 0.00038; gnomAD exomes 0.00039; TOPMed 0.00067; gnomAD 0.00078.
gnomAD v4.1: 681 of 1,603,814 alleles (0.042%); highest among the groups gnomAD compares: Admixed American, 0.22%; 2 homozygotes.

Submissions (2):

Labcorp Genetics (formerly Invitae), Labcorp
Classification: Uncertain significance. Last evaluated: 2025-11-23. Review status: criteria provided, single submitter. Criteria: Invitae Variant Classification Sherloc (09022015). Collection method: clinical testing. Allele origin: germline.
Comment: This sequence change replaces aspartic acid, which is acidic and polar, with valine, which is neutral and non-polar, at codon 119 of the CAST protein (p.Asp119Val). This variant is present in population databases (rs143562077, gnomAD 0.2%), and has an allele count higher than expected for a pathogenic variant. This variant has not been reported in the literature in individuals affected with CAST-related conditions. ClinVar contains an entry for this variant (Variation ID: 2056776). An algorithm developed to predict the effect of missense changes on protein structure and function (PolyPhen-2) suggests that this variant is likely to be tolerated. In summary, the available evidence is currently insufficient to determine the role of this variant in disease. Therefore, it has been classified as a Variant of Uncertain Significance.

Ambry Genetics
Classification: Uncertain significance for Inborn genetic diseases. Last evaluated: 2024-01-03. Review status: criteria provided, single submitter. Criteria: Ambry Variant Classification Scheme 2023. Collection method: clinical testing. Allele origin: germline.

NM_001750.7(CAST):c.479A>T (p.Asp160Val)

Gene: CAST (calpastatin; plus strand). Cytogenetic location: 5q15.
Variant type: single nucleotide variant.
Coding change: c.479A>T on transcript NM_001750.7 (MANE Select); coding-DNA position 479, A replaced by T.
Protein change: p.Asp160Val; replaces aspartic acid 160 with valine.
Molecular consequence: missense variant.
Genome position (GRCh38, 1-based): chr5:96,729,655, A>T. VCF-style: chr5-96729655-A-T. GRCh37 (hg19) VCF-style: chr5-96065359-A-T.
Other names: c.356A>T, p.Asp119Val (NM_001042440.5, NM_001330627.2); c.422A>T, p.Asp141Val (NM_001042441.3, NM_001330626.2); c.413A>T, p.Asp138Val (NM_001042442.3, NM_001329966.1); c.230A>T, p.Asp77Val (NM_001042443.3, NM_001190442.2, NM_001330631.2); c.107A>T, p.Asp36Val (NM_001042444.3, NM_001042446.3, NM_001284212.4 and 1 more transcripts); c.164A>T, p.Asp55Val (NM_001042445.3, NM_001284213.4, NM_001330632.2 and 1 more transcripts); c.311A>T, p.Asp104Val (NM_001330628.2); c.434A>T, p.Asp145Val (NM_001330629.2); and 2 more; short protein forms D104V, D119V, D141V, D145V, D138V, D36V, D55V, D58V.
Identifiers: ClinVar variation 2056776 (VCV002056776.4), dbSNP rs143562077, ClinGen allele CA3350856.